The following is an entry in ClinVar:

ClinVar aggregate classification (germline): Likely pathogenic (1 of 4 stars; one submission).

Conditions:
Alport syndrome. Also called: Hemorrhagic familial nephritis; Hemorrhagic hereditary nephritis; Congenital hereditary hematuria. Identifiers: Orphanet 63, MedGen C1567741, MONDO:0018965.

gnomAD v4.1: 1 of 1,613,572 alleles (0.000062%); highest among the groups gnomAD compares: Non-Finnish European, 0.000085%; no homozygotes.

Submission:

Natera, Inc.
Classification: Likely pathogenic for Alport syndrome. Last evaluated: 2025-01-31. Review status: criteria provided, single submitter. Criteria: Natera Variant Classification Schema (03/2026). Collection method: clinical testing. Allele origin: germline.
Comment: The c.3790G>A variant in COL4A4 is a missense variant predicted to cause substitution of glycine to arginine at amino acid 1264. This variant is rare in the general population with a frequency below the threshold expected for the associated phenotype(s). This variant is located in a functionally critical region of the protein. A different variant at the same position has been determined to be Pathogenic or Likely Pathogenic. Computational prediction algorithms indicate this variant is likely to affect gene or protein function. Given the available evidence, this variant is classified as Likely Pathogenic.

NM_000092.5(COL4A4):c.3790G>A (p.Gly1264Arg)

Gene: COL4A4 (collagen type IV alpha 4 chain; minus strand). Cytogenetic location: 2q36.3.
Variant type: single nucleotide variant.
Coding change: c.3790G>A on transcript NM_000092.5 (MANE Select); coding-DNA position 3790, G replaced by A.
Protein change: p.Gly1264Arg; replaces glycine 1264 with arginine.
Molecular consequence: missense variant.
Genome position (GRCh38, 1-based): chr2:227,031,972, C>T on the plus strand (G>A on the coding strand, the complement: COL4A4 is on the minus strand). VCF-style: chr2-227031972-C-T. GRCh37 (hg19) VCF-style: chr2-227896688-C-T.
Other names: short protein forms G1264R.
Identifiers: ClinVar variation 4065062 (VCV004065062.2).
Genomic context (GRCh38, chr2:227,031,972, plus strand): 5'-GCACTGCCATCCTTTGTCATGATTCTCTCATACCTCTTGGGCCATCAGGACCAGGAGGTC[C>T]CTGATCTCCAGGTGGACCCGGGTCAGGAATGTCCTTAGGAGCTCTTCCTGTGGCACCTGC-3'
Protein context (NP_000083.3, residues 1254-1274): IPDPGPPGDQ[Gly1264Arg]PPGPDGPRGA